The following is an entry in ClinVar:

ClinVar aggregate classification (germline): Uncertain significance (1 of 4 stars; one submission).

Allele frequency attached by ClinVar (database versions not stated): gnomAD exomes below 0.00001; gnomAD 0.00001.
gnomAD v4.1: 7 of 1,614,086 alleles (0.00043%); highest among the groups gnomAD compares: Non-Finnish European, 0.00059%; no homozygotes.

Submission:

Labcorp Genetics (formerly Invitae), Labcorp
Classification: Uncertain significance. Last evaluated: 2022-10-24. Review status: criteria provided, single submitter. Criteria: Invitae Variant Classification Sherloc (09022015). Collection method: clinical testing. Allele origin: germline.
Comment: This sequence change replaces glutamic acid, which is acidic and polar, with valine, which is neutral and non-polar, at codon 1403 of the ERCC6 protein (p.Glu1403Val). This variant is not present in population databases (gnomAD no frequency). This variant has not been reported in the literature in individuals affected with ERCC6-related conditions. Algorithms developed to predict the effect of missense changes on protein structure and function are either unavailable or do not agree on the potential impact of this missense change (SIFT: "Deleterious"; PolyPhen-2: "Benign"; Align-GVGD: "Class C35"). In summary, the available evidence is currently insufficient to determine the role of this variant in disease. Therefore, it has been classified as a Variant of Uncertain Significance.

NM_000124.4(ERCC6):c.4208A>T (p.Glu1403Val)

Gene: ERCC6 (ERCC excision repair 6, chromatin remodeling factor; minus strand). Cytogenetic location: 10q11.23.
Variant type: single nucleotide variant.
Coding change: c.4208A>T on transcript NM_000124.4 (MANE Select); coding-DNA position 4208, A replaced by T.
Protein change: p.Glu1403Val; replaces glutamic acid 1403 with valine.
Molecular consequence: missense variant.
Genome position (GRCh38, 1-based): chr10:49,459,089, T>A on the plus strand (A>T on the coding strand, the complement: ERCC6 is on the minus strand). VCF-style: chr10-49459089-T-A. GRCh37 (hg19) VCF-style: chr10-50667135-T-A.
Other names: c.4208A>T, p.Glu1403Val (NM_001346440.2); short protein forms E1403V.
Identifiers: ClinVar variation 1981555 (VCV001981555.1), dbSNP rs1156649878, ClinGen allele CA376703940.